The following is an entry in ClinVar:

NM_001371928.1(AHDC1):c.3269C>G (p.Ser1090Cys)

Gene: AHDC1 (AT-hook DNA binding motif containing 1; minus strand). Cytogenetic location: 1p36.11.
Variant type: single nucleotide variant.
Coding change: c.3269C>G on transcript NM_001371928.1 (MANE Select); coding-DNA position 3269, C replaced by G.
Protein change: p.Ser1090Cys; replaces serine 1090 with cysteine.
Molecular consequence: missense variant.
Genome position (GRCh38, 1-based): chr1:27,548,847, G>C on the plus strand (C>G on the coding strand, the complement: AHDC1 is on the minus strand). VCF-style: chr1-27548847-G-C. GRCh37 (hg19) VCF-style: chr1-27875358-G-C.
Other names: c.3269C>G, p.Ser1090Cys (NM_001029882.3); short protein forms S1090C.
Identifiers: ClinVar variation 2571715 (VCV002571715.1), dbSNP rs1188048931, ClinGen allele CA339227621.

ClinVar aggregate classification (germline): Uncertain significance (1 of 4 stars; one submission).

Submission:

GeneDx
Classification: Uncertain significance. Last evaluated: 2023-01-09. Review status: criteria provided, single submitter. Criteria: GeneDx Variant Classification Process June 2021. Collection method: clinical testing. Allele origin: germline. Affected: yes.
Comment: Not observed at significant frequency in large population cohorts (gnomAD); In silico analysis supports that this missense variant does not alter protein structure/function; Has not been previously published as pathogenic or benign to our knowledge